The following is an entry in ClinVar:

NM_144508.5(KNL1):c.5607A>C (p.Thr1869=)

Gene: KNL1 (kinetochore scaffold 1; plus strand). Cytogenetic location: 15q15.1.
Variant type: single nucleotide variant.
Coding change: c.5607A>C on transcript NM_144508.5 (MANE Select); coding-DNA position 5607, A replaced by C.
Protein change: p.Thr1869=; no amino-acid change (threonine 1869 retained).
Molecular consequence: synonymous variant.
Genome position (GRCh38, 1-based): chr15:40,629,296, A>C. VCF-style: chr15-40629296-A-C. GRCh37 (hg19) VCF-style: chr15-40921494-A-C.
Other names: c.5685A>C, p.Thr1895= (NM_170589.5).
Identifiers: ClinVar variation 741731 (VCV000741731.32), dbSNP rs375102589, ClinGen allele CA7483436.

ClinVar aggregate classification (germline): Conflicting classifications of pathogenicity. Review status: criteria provided, conflicting classifications (1 of 4 stars). 4 submissions from 4 submitters: Uncertain significance (1); Likely benign (2). 1 of the submissions does not count toward it. Last evaluated 2024-04-01.

Conditions:
Microcephaly 4, primary, autosomal recessive. Identifiers: Orphanet 2512, MedGen C1858516, MONDO:0011437, OMIM 604321.
KNL1-related disorder. Also called: KNL1-related condition.

Allele frequency attached by ClinVar (database versions not stated): TOPMed 0.00006; ESP Exome Variant Server 0.00008; gnomAD 0.00010.
gnomAD v4.1: 96 of 1,597,930 alleles (0.006%); highest among the groups gnomAD compares: Non-Finnish European, 0.0071%; no homozygotes.

Submissions (4):

CeGaT Center for Human Genetics Tuebingen
Classification: Likely benign. Last evaluated: 2024-04-01. Review status: criteria provided, single submitter. Criteria: CeGaT Center For Human Genetics Tuebingen Variant Classification Criteria Version 2. Collection method: clinical testing. Allele origin: germline. Affected: yes. Observed: 2 variant alleles.
Comment: KNL1: BP4, BP7

Labcorp Genetics (formerly Invitae), Labcorp
Classification: Likely benign. Last evaluated: 2018-07-31. Review status: criteria provided, single submitter. Criteria: Invitae Variant Classification Sherloc (09022015). Collection method: clinical testing. Allele origin: germline.

Illumina Laboratory Services, Illumina
Classification: Uncertain significance for Microcephaly 4, primary, autosomal recessive. Last evaluated: 2018-01-13. Review status: criteria provided, single submitter. Criteria: ICSL Variant Classification Criteria 13 December 2019. Collection method: clinical testing. Allele origin: germline.

PreventionGenetics, part of Exact Sciences
Classification: Likely benign for KNL1-related condition. Last evaluated: 2021-03-23. Review status: no assertion criteria provided. Collection method: clinical testing. Allele origin: germline. Not counted in ClinVar's aggregate classification.
Comment: This variant is classified as likely benign based on ACMG/AMP sequence variant interpretation guidelines (Richards et al. 2015 PMID: 25741868, with internal and published modifications).